The following is an entry in ClinVar:

NM_001378969.1(KCND3):c.704T>C (p.Met235Thr)

Gene: KCND3 (potassium voltage-gated channel subfamily D member 3; minus strand). Cytogenetic location: 1p13.2.
Variant type: single nucleotide variant.
Coding change: c.704T>C on transcript NM_001378969.1 (MANE Select); coding-DNA position 704, T replaced by C.
Protein change: p.Met235Thr; replaces methionine 235 with threonine.
Molecular consequence: missense variant.
Genome position (GRCh38, 1-based): chr1:111,982,023, A>G on the plus strand (T>C on the coding strand, the complement: KCND3 is on the minus strand). VCF-style: chr1-111982023-A-G. GRCh37 (hg19) VCF-style: chr1-112524645-A-G.
Other names: c.704T>C, p.Met235Thr (NM_001378970.1, NM_004980.5, NM_172198.3); short protein forms M235T.
Identifiers: ClinVar variation 3893604 (VCV003893604.1).

ClinVar aggregate classification (germline): Uncertain significance (1 of 4 stars; one submission).

Submission:

GeneDx
Classification: Uncertain significance. Last evaluated: 2024-10-24. Review status: criteria provided, single submitter. Criteria: GeneDx Variant Classification Process June 2021. Collection method: clinical testing. Allele origin: germline. Affected: yes.
Comment: Not observed at significant frequency in large population cohorts (gnomAD); In silico analysis supports that this missense variant has a deleterious effect on protein structure/function; Has not been previously published as pathogenic or benign to our knowledge